The following is an entry in ClinVar:

NM_017866.6(TMEM70):c.779A>G (p.Lys260Arg)

Gene: TMEM70 (transmembrane protein 70; plus strand). Cytogenetic location: 8q21.11.
Variant type: single nucleotide variant.
Coding change: c.779A>G on transcript NM_017866.6 (MANE Select); coding-DNA position 779, A replaced by G.
Protein change: p.Lys260Arg; replaces lysine 260 with arginine.
Molecular consequence: missense variant. On other transcripts: non-coding transcript variant (1), 3 prime UTR variant (1).
Genome position (GRCh38, 1-based): chr8:73,981,617, A>G. VCF-style: chr8-73981617-A-G. GRCh37 (hg19) VCF-style: chr8-74893852-A-G.
Other names: c.*469A>G (NM_001040613.3); short protein forms K260R.
Identifiers: ClinVar variation 1714116 (VCV001714116.5), dbSNP rs2536396552, ClinGen allele CA371490737.

ClinVar aggregate classification (germline): Uncertain significance (1 of 4 stars; one submission).

Conditions:
Mitochondrial complex V (ATP synthase) deficiency, nuclear type 2. Also called: Nuclear-Encoded ATPase Deficiency, TMEM70-Related; MITOCHONDRIAL COMPLEX V (ATP SYNTHASE) DEFICIENCY, TMEM70 TYPE; ENCEPHALOCARDIOMYOPATHY, MITOCHONDRIAL, NEONATAL, DUE TO ATP SYNTHASE DEFICIENCY. Identifiers: Orphanet 1194, MedGen C3279699, MONDO:0013546, OMIM 614052.

Allele frequency attached by ClinVar (database versions not stated): gnomAD exomes below 0.00001.
gnomAD v4.1: 5 of 1,597,924 alleles (0.00031%); highest among the groups gnomAD compares: Non-Finnish European, 0.00043%; no homozygotes.

Submission:

Labcorp Genetics (formerly Invitae), Labcorp
Classification: Uncertain significance for Mitochondrial complex V (ATP synthase) deficiency, nuclear type 2. Last evaluated: 2022-07-29. Review status: criteria provided, single submitter. Criteria: Invitae Variant Classification Sherloc (09022015). Collection method: clinical testing. Allele origin: germline.
Comment: In summary, the available evidence is currently insufficient to determine the role of this variant in disease. Therefore, it has been classified as a Variant of Uncertain Significance. Algorithms developed to predict the effect of missense changes on protein structure and function (SIFT, PolyPhen-2, Align-GVGD) all suggest that this variant is likely to be tolerated. This variant has not been reported in the literature in individuals affected with TMEM70-related conditions. This variant is not present in population databases (gnomAD no frequency). This sequence change replaces lysine, which is basic and polar, with arginine, which is basic and polar, at codon 260 of the TMEM70 protein (p.Lys260Arg).